The following is an entry in ClinVar:

ClinVar aggregate classification (germline): Likely benign. Review status: criteria provided, multiple submitters, no conflicts (2 of 4 stars). 2 submissions from 2 submitters: Likely benign (2). Last evaluated 2025-02-23.

Conditions:
Colorectal cancer, susceptibility to, 12 (CRCS12). Also called: COLORECTAL CANCER, SUSCEPTIBILITY TO, ON CHROMOSOME 12q24. Identifiers: Orphanet 220460, MedGen C3554460, MONDO:0014038, OMIM 615083.

gnomAD v4.1: 1 of 1,610,968 alleles (0.000062%); highest among the groups gnomAD compares: African/African-American, 0.0013%; no homozygotes.

Submissions (2):

Labcorp Genetics (formerly Invitae), Labcorp
Classification: Likely benign. Last evaluated: 2025-02-23. Review status: criteria provided, single submitter. Criteria: Invitae Variant Classification Sherloc (09022015). Collection method: clinical testing. Allele origin: germline.

Myriad Genetics, Inc.
Classification: Likely benign for Colorectal cancer, susceptibility to, 12. Last evaluated: 2025-02-10. Review status: criteria provided, single submitter. Criteria: Myriad Autosomal Dominant, Autosomal Recessive and X-Linked Classification Criteria (2023). Collection method: clinical testing. Allele origin: unknown.
Comment: This variant is considered likely benign. This variant is intronic and is not expected to impact mRNA splicing.

NM_006231.4(POLE):c.1021-6G>T

Gene: POLE (DNA polymerase epsilon, catalytic subunit; minus strand). Cytogenetic location: 12q24.33.
Variant type: single nucleotide variant.
Coding change: c.1021-6G>T on transcript NM_006231.4 (MANE Select); 6 bases into the intron before coding-DNA position 1021, G replaced by T.
Molecular consequence: intron variant.
Genome position (GRCh38, 1-based): chr12:132,675,826, C>A on the plus strand (G>T on the coding strand, the complement: POLE is on the minus strand). VCF-style: chr12-132675826-C-A. GRCh37 (hg19) VCF-style: chr12-133252412-C-A.
Identifiers: ClinVar variation 3904312 (VCV003904312.2).